The following is an entry in ClinVar:

ClinVar aggregate classification (germline): Likely benign. Review status: criteria provided, single submitter (1 of 4 stars). 2 submissions from 2 submitters: Likely benign (1). 1 of the submissions does not count toward it. Last evaluated 2025-04-14.

Conditions:
LOXHD1-related disorder. Also called: LOXHD1-related condition.

Allele frequency attached by ClinVar (database versions not stated): gnomAD 0.00001; gnomAD exomes 0.00003 and 0.00008; TOPMed 0.00005; 1000 Genomes Project 0.00020; 1000 Genomes Project 30x 0.00031.
gnomAD v4.1: 17 of 1,552,088 alleles (0.0011%); highest among the groups gnomAD compares: Admixed American, 0.033%; no homozygotes.

Submissions (2):

Labcorp Genetics (formerly Invitae), Labcorp
Classification: Likely benign. Last evaluated: 2025-04-14. Review status: criteria provided, single submitter. Criteria: Invitae Variant Classification Sherloc (09022015). Collection method: clinical testing. Allele origin: germline.

PreventionGenetics, part of Exact Sciences
Classification: Likely benign for LOXHD1-related condition. Last evaluated: 2019-09-23. Review status: no assertion criteria provided. Collection method: clinical testing. Allele origin: germline. Not counted in ClinVar's aggregate classification.
Comment: This variant is classified as likely benign based on ACMG/AMP sequence variant interpretation guidelines (Richards et al. 2015 PMID: 25741868, with internal and published modifications).

NM_001384474.1(LOXHD1):c.1431+9G>A

Gene: LOXHD1 (lipoxygenase homology PLAT domains 1; minus strand). Cytogenetic location: 18q21.1.
Variant type: single nucleotide variant.
Coding change: c.1431+9G>A on transcript NM_001384474.1 (MANE Select); 9 bases into the intron after coding-DNA position 1431, G replaced by A.
Molecular consequence: intron variant.
Genome position (GRCh38, 1-based): chr18:46,593,591, C>T on the plus strand (G>A on the coding strand, the complement: LOXHD1 is on the minus strand). VCF-style: chr18-46593591-C-T. GRCh37 (hg19) VCF-style: chr18-44173554-C-T.
Other names: c.1431+9G>A (NM_144612.7, NM_144612.6).
Identifiers: ClinVar variation 1097346 (VCV001097346.11), dbSNP rs181825231, ClinGen allele CA299804052.
Genomic context (GRCh38, chr18:46,593,591, plus strand): 5'-AATCCCCAGGACGAATGCCCTACATCCCTTCCTCCTTTCTCCCTCCCATCCATCACAATC[C>T]TCTCCTACCCTAAACTTCTCGATTATGCCGGGTTTGAACCACTTGTTGTTGGGATTCAGG-3'